The following is an entry in ClinVar:

ClinVar aggregate classification (germline): Uncertain significance. Review status: criteria provided, multiple submitters, no conflicts (2 of 4 stars). 3 submissions from 3 submitters: Uncertain significance (3). Last evaluated 2025-12-12.

Conditions:
Cardiovascular phenotype. Identifiers: MedGen CN230736.
Cardiomyopathy (CMYO). Also called: Cardiomyopathies. Identifiers: Orphanet 167848, MedGen C0878544, MONDO:0004994, HP:0001638. Inheritance: Various modes of inheritance.
Arrhythmogenic right ventricular dysplasia 9 (ARVD9). Also called: ARRHYTHMOGENIC RIGHT VENTRICULAR DYSPLASIA, FAMILIAL, 9; Arrhythmogenic Right Ventricular Dysplasia/Cardiomyopathy 9. Identifiers: MedGen C1836906, MONDO:0012180, OMIM 609040.

gnomAD v4.1: 4 of 1,613,986 alleles (0.00025%); highest among the groups gnomAD compares: Admixed American, 0.0017%; no homozygotes.

Submissions (3):

Ambry Genetics
Classification: Uncertain significance for Cardiovascular phenotype. Last evaluated: 2025-12-12. Review status: criteria provided, single submitter. Criteria: Ambry Variant Classification Scheme 2023. Collection method: clinical testing. Allele origin: germline.
Comment: The p.K545N variant (also known as c.1635A>T), located in coding exon 7 of the PKP2 gene, results from an A to T substitution at nucleotide position 1635. The lysine at codon 545 is replaced by asparagine, an amino acid with similar properties. This amino acid position is well conserved in available vertebrate species. In addition, this alteration is predicted to be tolerated by in silico analysis. Based on the available evidence, the clinical significance of this variant remains unclear.

Color Diagnostics, LLC DBA Color Health
Classification: Uncertain significance for Cardiomyopathy. Last evaluated: 2025-08-05. Review status: criteria provided, single submitter. Criteria: ACMG Guidelines, 2015. Collection method: clinical testing. Allele origin: germline.
Comment: This missense variant replaces lysine with asparagine at codon 545 of the PKP2 protein. Computational prediction suggests that this variant may not impact protein structure and function. To our knowledge, functional studies have not been reported for this variant. This variant has not been reported in individuals affected with PKP2-related disorders in the literature. This variant has been identified in 1/251324 chromosomes in the general population by the Genome Aggregation Database (gnomAD). The available evidence is insufficient to determine the role of this variant in disease conclusively. Therefore, this variant is classified as a Variant of Uncertain Significance.

Labcorp Genetics (formerly Invitae), Labcorp
Classification: Uncertain significance for Arrhythmogenic right ventricular dysplasia 9. Last evaluated: 2024-12-04. Review status: criteria provided, single submitter. Criteria: Invitae Variant Classification Sherloc (09022015). Collection method: clinical testing. Allele origin: germline.
Comment: This sequence change replaces lysine, which is basic and polar, with asparagine, which is neutral and polar, at codon 545 of the PKP2 protein (p.Lys545Asn). This variant is present in population databases (no rsID available, gnomAD 0.0009%). This variant has not been reported in the literature in individuals affected with PKP2-related conditions. An algorithm developed to predict the effect of missense changes on protein structure and function (PolyPhen-2) suggests that this variant is likely to be disruptive. In summary, the available evidence is currently insufficient to determine the role of this variant in disease. Therefore, it has been classified as a Variant of Uncertain Significance.

NM_001005242.3(PKP2):c.1503A>T (p.Lys501Asn)

Gene: PKP2 (plakophilin 2; minus strand). Cytogenetic location: 12p11.21.
Variant type: single nucleotide variant.
Coding change: c.1503A>T on transcript NM_001005242.3 (MANE Select); coding-DNA position 1503, A replaced by T.
Protein change: p.Lys501Asn; replaces lysine 501 with asparagine.
Molecular consequence: missense variant.
Genome position (GRCh38, 1-based): chr12:32,841,081, T>A on the plus strand (A>T on the coding strand, the complement: PKP2 is on the minus strand). VCF-style: chr12-32841081-T-A. GRCh37 (hg19) VCF-style: chr12-32994015-T-A.
Other names: c.1503A>T, p.Lys501Asn (NM_001407155.1, NM_001407156.1, NM_001407161.1); c.1635A>T, p.Lys545Asn (NM_001407157.1, NM_004572.4); c.1176A>T, p.Lys392Asn (NM_001407158.1, NM_001407159.1, NM_001407160.1 and 1 more transcripts); short protein forms K545N, K392N, K501N.
Identifiers: ClinVar variation 3704702 (VCV003704702.4).